The following is an entry in ClinVar:

ClinVar aggregate classification (germline): Uncertain significance (1 of 4 stars; one submission).

Conditions:
Neonatal-onset encephalopathy with rigidity and seizures. Also called: Lethal neonatal spasticity-epileptic encephalopathy syndrome. Identifiers: Orphanet 435845, MedGen C3281029, MONDO:0013784, OMIM 614498.

Allele frequency attached by ClinVar (database versions not stated): gnomAD 0.00001; TOPMed 0.00001.
gnomAD v4.1: 1 of 1,603,548 alleles (0.000062%); highest among the groups gnomAD compares: Admixed American, 0.0017%; no homozygotes.

Submission:

Labcorp Genetics (formerly Invitae), Labcorp
Classification: Uncertain significance for Neonatal-onset encephalopathy with rigidity and seizures. Last evaluated: 2019-11-14. Review status: criteria provided, single submitter. Criteria: Invitae Variant Classification Sherloc (09022015). Collection method: clinical testing. Allele origin: germline.
Comment: This variant has not been reported in the literature in individuals with BRAT1-related conditions. In summary, the available evidence is currently insufficient to determine the role of this variant in disease. Therefore, it has been classified as a Variant of Uncertain Significance. Algorithms developed to predict the effect of missense changes on protein structure and function are either unavailable or do not agree on the potential impact of this missense change (SIFT: "Tolerated"; PolyPhen-2: "Probably Damaging"; Align-GVGD: "Class C0"). This variant is not present in population databases (ExAC no frequency). This sequence change replaces threonine with isoleucine at codon 215 of the BRAT1 protein (p.Thr215Ile). The threonine residue is highly conserved and there is a moderate physicochemical difference between threonine and isoleucine.

NM_152743.4(BRAT1):c.644C>T (p.Thr215Ile)

Gene: BRAT1 (BRCA1 associated ATM activator 1; minus strand). Cytogenetic location: 7p22.3.
Variant type: single nucleotide variant.
Coding change: c.644C>T on transcript NM_152743.4 (MANE Select); coding-DNA position 644, C replaced by T.
Protein change: p.Thr215Ile; replaces threonine 215 with isoleucine.
Molecular consequence: missense variant. On other transcripts: non-coding transcript variant (1).
Genome position (GRCh38, 1-based): chr7:2,543,749, G>A on the plus strand (C>T on the coding strand, the complement: BRAT1 is on the minus strand). VCF-style: chr7-2543749-G-A. GRCh37 (hg19) VCF-style: chr7-2583383-G-A.
Other names: c.644C>T, p.Thr215Ile (NM_001350626.2); c.119C>T, p.Thr40Ile (NM_001350627.2); short protein forms T215I, T40I.
Identifiers: ClinVar variation 934127 (VCV000934127.9), dbSNP rs1410727803, ClinGen allele CA366632065.